The following is an entry in ClinVar:

NM_000110.4(DPYD):c.623G>A (p.Arg208Gln)

Gene: DPYD (dihydropyrimidine dehydrogenase; minus strand). Cytogenetic location: 1p21.3.
Variant type: single nucleotide variant.
Coding change: c.623G>A on transcript NM_000110.4 (MANE Select); coding-DNA position 623, G replaced by A.
Protein change: p.Arg208Gln; replaces arginine 208 with glutamine.
Molecular consequence: missense variant.
Genome position (GRCh38, 1-based): chr1:97,699,408, C>T on the plus strand (G>A on the coding strand, the complement: DPYD is on the minus strand). VCF-style: chr1-97699408-C-T. GRCh37 (hg19) VCF-style: chr1-98164964-C-T.
Other names: short protein forms R208Q.
Identifiers: ClinVar variation 2506135 (VCV002506135.1), dbSNP rs376073289, ClinGen allele CA963606.
Genomic context (GRCh38, chr1:97,699,408, plus strand): 5'-TACCTTAAACCACCAACATATTCTTGTTTTTCAAATATAGTGATGTCAGAGTACCCCAAT[C>T]GAGCCAAAAAGGAAGCACAACTTATACTTGCAGGCCCAGCACCAAAAAGAGCAATCTTTG-3'
Protein context (NP_000101.2, residues 198-218): ASISCASFLA[Arg208Gln]LGYSDITIFE

ClinVar aggregate classification (germline): Uncertain significance (1 of 4 stars; one submission).

Allele frequency attached by ClinVar (database versions not stated): ESP Exome Variant Server 0.00008.
gnomAD v4.1: 7 of 1,613,494 alleles (0.00043%); highest among the groups gnomAD compares: Non-Finnish European, 0.00059%; no homozygotes.

Submission:

Women's Health and Genetics/Laboratory Corporation of America, LabCorp
Classification: Uncertain significance. Last evaluated: 2023-05-03. Review status: criteria provided, single submitter. Criteria: LabCorp Variant Classification Summary - May 2015. Collection method: clinical testing. Allele origin: germline.
Comment: Variant summary: DPYD c.623G>A (p.Arg208Gln) results in a conservative amino acid change located in the Dihydroorotate dehydrogenase domain (IPR005720) of the encoded protein sequence. Four of five in-silico tools predict a damaging effect of the variant on protein function. The variant allele was found at a frequency of 1.6e-05 in 251180 control chromosomes. The available data on variant occurrences in the general population are insufficient to allow any conclusion about variant significance. c.623G>A has been reported in the literature in individuals affected with partial Dihydropyrimidine Dehydrogenase Deficiency (Thomas_2016). This report does not provide unequivocal conclusions about association of the variant with Dihydropyrimidine Dehydrogenase Deficiency. To our knowledge, no experimental evidence demonstrating an impact on protein function has been reported. The following publications have been ascertained in the context of this evaluation (PMID: 18299612, 26265035). No clinical diagnostic laboratories have submitted clinical-significance assessments for this variant to ClinVar after 2014. Based on the evidence outlined above, the variant was classified as uncertain significance.

Literature cited by the submitters: PubMed 18299612; PubMed 26265035.